The following is an entry in ClinVar:

ClinVar aggregate classification (germline): Likely benign. Review status: criteria provided, single submitter (1 of 4 stars). 2 submissions from 2 submitters: Likely benign (1). 1 of the submissions does not count toward it. Last evaluated 2025-04-09.

Conditions:
alpha Thalassemia. Also called: Alpha thalassemia spectrum. Identifiers: Orphanet 846, MedGen C0002312, MONDO:0011399, OMIM 604131.

Submissions (2):

ARUP Laboratories, Molecular Genetics and Genomics, ARUP Laboratories
Classification: Likely benign. Last evaluated: 2025-04-09. Review status: criteria provided, single submitter. Criteria: ARUP Molecular Germline Variant Investigation Process 2024. Collection method: clinical testing. Allele origin: germline.

Department of Medical Genetics, Yunnan Provincial Key Laboratory for Birth Defects and Genetic Diseases, The First People’s Hospital of Yunnan Province
Classification: Benign for alpha-Thalassemia. Last evaluated: 2020-12-01. Review status: no assertion criteria provided. Collection method: clinical testing. Allele origin: inherited. Affected: yes. Observed: 2 variant alleles. Not counted in ClinVar's aggregate classification.

NM_000517.6(HBA2):c.95+11_95+34del

Genes: HBA2 (hemoglobin subunit alpha 2; plus strand), LOC106804612 (hemoglobin subunit alpha 2 recombination region; plus strand). Cytogenetic location: 16p13.3.
Variant type: Deletion.
Coding change: c.95+11_95+34del on transcript NM_000517.6 (MANE Select); bases 11 to 34 of the intron after coding-DNA position 95, 24 bases deleted (CTCCCCTGCTCCGACCCGGGCTCC).
Molecular consequence: intron variant.
Genome position (GRCh38, 1-based): chr16:173,018-173,041, CTCCCCTGCTCCGACCCGGGCTCC deleted; deleting any 24 consecutive bases within chr16:173,012-173,041 gives the same sequence; the c. name uses the placement nearest the transcript's 3' end. VCF-style (leftmost placement, unchanged base first): chr16-173011-AGGCTCCCTCCCCTGCTCCGACCCG-A. GRCh37 (hg19) VCF-style: chr16-223010-AGGCTCCCTCCCCTGCTCCGACCCG-A.
Other names: c.95+11_95+34delCTCCCCTGCTCCGACCCGGGCTCC (NM_000517.6).
Identifiers: ClinVar variation 995798 (VCV000995798.16), dbSNP rs1445188229, ClinGen allele CA620304239.